The following is an entry in ClinVar:

ClinVar aggregate classification (germline): Conflicting classifications of pathogenicity. Review status: criteria provided, conflicting classifications (1 of 4 stars). 3 submissions from 3 submitters: Likely pathogenic (1); Uncertain significance (1). 1 of the submissions does not count toward it. Last evaluated 2022-11-10.

Conditions:
Familial long QT syndrome (RWS). Also called: Congenital long QT syndrome; Romano-Ward syndrome; VENTRICULAR FIBRILLATION WITH PROLONGED QT INTERVAL. Identifiers: Orphanet 768, MedGen C1141890, MONDO:0019171.
Long QT syndrome (LQTS). Identifiers: MedGen C0023976, MeSH D008133, MONDO:0002442. Disease mechanism: loss of function. Inheritance: Various modes of inheritance.

Submissions (3):

GeneDx
Classification: Likely pathogenic. Last evaluated: 2022-11-10. Review status: criteria provided, single submitter. Criteria: GeneDx Variant Classification Process June 2021. Collection method: clinical testing. Allele origin: germline. Affected: yes.
Comment: Published functional studies demonstrate a damaging effect; specifically in vitro analyses demonstrated reduced membrane channel expression and significantly altered gating properties of the expressed channel that resulted in altered physiological phenotypes associated with H402R-hERG relative to WT-hERG (PMID: 28280240); In silico analysis supports that this missense variant has a deleterious effect on protein structure/function; Not observed at significant frequency in large population cohorts (gnomAD); This variant is associated with the following publications: (PMID: 23631430, 19716085, 21185501, 19136169, 22581653, 26669661, 28280240)

Labcorp Genetics (formerly Invitae), Labcorp
Classification: Uncertain significance for Long QT syndrome. Last evaluated: 2017-02-21. Review status: criteria provided, single submitter. Criteria: Invitae Variant Classification Sherloc (09022015). Collection method: clinical testing. Allele origin: germline.
Comment: This sequence change replaces histidine with arginine at codon 402 of the KCNH2 protein (p.His402Arg). The histidine residue is highly conserved and there is a small physicochemical difference between histidine and arginine. This variant is not present in population databases (rs199473506, ExAC no frequency). This variant has been reported in individuals affected with long QT syndrome (PMID: 19136169, Invitae), as well as in an individual referred for long QT syndrome genetic testing (PMID: 19716085). ClinVar contains an entry for this variant (Variation ID: 67166). Algorithms developed to predict the effect of missense changes on protein structure and function do not agree on the potential impact of this missense change (SIFT: "Deleterious"; PolyPhen-2: "Benign"; Align-GVGD: "Class C25"). In summary, this variant is a rare missense change with uncertain impact on protein function. While it is absent from the population and reported in affected individuals, the available evidence is currently insufficient to determine its role in disease. Therefore, it has been classified as a Variant of Uncertain Significance. This variant identified in the KCNH2 gene is located in the cytoplasmic N-terminal region of the resulting protein (PMID: 19841300, 25348405). It is unclear how this variant impacts the function of this protein.

Cardiovascular Biomedical Research Unit, Royal Brompton & Harefield NHS Foundation Trust
No classification provided. Condition: Familial long QT syndrome. Review status: no classification provided. Collection method: literature only. Allele origin: germline. Not counted in ClinVar's aggregate classification.
Comment: This variant has been reported as associated with Long QT syndrome in the following publications (PMID:19136169;PMID:19716085). This is a literature report, and does not necessarily reflect the clinical interpretation of the Imperial College / Royal Brompton Cardiovascular Genetics laboratory.

Literature cited by the submitters: PubMed 19136169 (cited by Labcorp Genetics (formerly Invitae), Labcorp and Cardiovascular Biomedical Research Unit, Royal Brompton & Harefield NHS Foundation Trust); PubMed 19716085 (cited by Labcorp Genetics (formerly Invitae), Labcorp and Cardiovascular Biomedical Research Unit, Royal Brompton & Harefield NHS Foundation Trust); PubMed 19841300 (cited by Labcorp Genetics (formerly Invitae), Labcorp); PubMed 25348405 (cited by Labcorp Genetics (formerly Invitae), Labcorp); PubMed 22581653 (cited by Cardiovascular Biomedical Research Unit, Royal Brompton & Harefield NHS Foundation Trust).

NM_000238.4(KCNH2):c.1205A>G (p.His402Arg)

Gene: KCNH2 (potassium voltage-gated channel subfamily H member 2; minus strand). Cytogenetic location: 7q36.1.
Variant type: single nucleotide variant.
Coding change: c.1205A>G on transcript NM_000238.4 (MANE Select); coding-DNA position 1205, A replaced by G.
Protein change: p.His402Arg; replaces histidine 402 with arginine.
Molecular consequence: missense variant.
Genome position (GRCh38, 1-based): chr7:150,952,777, T>C on the plus strand (A>G on the coding strand, the complement: KCNH2 is on the minus strand). VCF-style: chr7-150952777-T-C. GRCh37 (hg19) VCF-style: chr7-150649865-T-C.
Other names: c.1205A>G (LRG_288t1); c.185A>G, p.His62Arg (NM_001204798.2, NM_172057.3); c.917A>G, p.His306Arg (NM_001406753.1, NM_001406756.1); c.1028A>G, p.His343Arg (NM_001406755.1); c.905A>G, p.His302Arg (NM_001406757.1); c.1205A>G, p.His402Arg (NM_172056.3); short protein forms H402R, H62R, H302R, H343R, H306R.
Identifiers: ClinVar variation 67166 (VCV000067166.8), dbSNP rs199473506, ClinGen allele CA004277.